The following is an entry in ClinVar:

ClinVar aggregate classification (germline): Benign/Likely benign. Review status: criteria provided, multiple submitters, no conflicts (2 of 4 stars). 10 submissions from 10 submitters: Benign (7); Likely benign (1). 2 of the submissions do not count toward it. Last evaluated 2026-08-01.

Conditions:
Epidermolysis bullosa simplex, Ogna type (EBS5A). Also called: Pidermolysis bullosa simplex 5A, Ogna type; EPIDERMOLYSIS BULLOSA SIMPLEX 5A, OGNA TYPE. Identifiers: Orphanet 79401, MedGen C0432317, MONDO:0007555, OMIM 131950.
Epidermolysis bullosa simplex 5C, with pyloric atresia (EBS5C). Also called: PLEC1-Related Epidermolysis Bullosa with Pyloric Atresia; PLEC-Related Epidermolysis Bullosa with Pyloric Atresia; Epidermolysis bullosa simplex with pyloric atresia. Identifiers: Orphanet 158684, MedGen C2677349, MONDO:0012807, OMIM 612138.
Epidermolysis bullosa simplex 5B, with muscular dystrophy (EBS5B). Also called: Epidermolysis bullosa simplex with muscular dystrophy; EPIDERMOLYSIS BULLOSA SIMPLEX AND LIMB-GIRDLE MUSCULAR DYSTROPHY. Identifiers: Orphanet 257, MedGen C2931072, MONDO:0009181, OMIM 226670.
Epidermolysis bullosa simplex with nail dystrophy (EBS5D). Identifiers: MedGen C4225309, MONDO:0014661, OMIM 616487.
Autosomal recessive limb-girdle muscular dystrophy type 2Q (LGMDR17). Also called: MUSCULAR DYSTROPHY, LIMB-GIRDLE, AUTOSOMAL RECESSIVE 17. Identifiers: Orphanet 254361, MedGen C3150989, MONDO:0013390, OMIM 613723.

Allele frequency attached by ClinVar (database versions not stated): ESP Exome Variant Server 0.00429; TOPMed 0.00461; 1000 Genomes Project 0.00499; 1000 Genomes Project 30x 0.00515; gnomAD exomes 0.00608 and 0.00740; gnomAD 0.00674 and 0.00677; ExAC 0.00717.
gnomAD v4.1: 9,995 of 1,613,080 alleles (0.62%); highest among the groups gnomAD compares: Middle Eastern, 3.8%; 72 homozygotes.

Submissions (10):

CeGaT Center for Human Genetics Tuebingen
Classification: Likely benign. Last evaluated: 2026-08-01. Review status: criteria provided, single submitter. Criteria: CeGaT Center For Human Genetics Tuebingen Variant Classification Criteria Version 2. Collection method: clinical testing. Allele origin: germline. Affected: yes. Observed: 25 variant alleles.
Comment: PLEC: BP4, BP7, BS2

Labcorp Genetics (formerly Invitae), Labcorp
Classification: Benign for Autosomal recessive limb-girdle muscular dystrophy type 2Q; Epidermolysis bullosa simplex, Ogna type; Epidermolysis bullosa simplex with nail dystrophy; Epidermolysis bullosa simplex 5C, with pyloric atresia; Epidermolysis bullosa simplex 5B, with muscular dystrophy. Last evaluated: 2026-02-01. Review status: criteria provided, single submitter. Criteria: Invitae Variant Classification Sherloc (09022015). Collection method: clinical testing. Allele origin: germline.

Blueprint Genetics
Classification: Benign. Last evaluated: 2024-11-25. Review status: criteria provided, single submitter. Criteria: ACMG Guidelines, 2015. Collection method: clinical testing. Allele origin: germline.

Athena Diagnostics
Classification: Benign. Last evaluated: 2023-12-15. Review status: criteria provided, single submitter. Criteria: Athena Diagnostics Criteria. Collection method: clinical testing. Allele origin: unknown.

Mayo Clinic Laboratories, Mayo Clinic
Classification: Benign. Last evaluated: 2018-03-23. Review status: criteria provided, single submitter. Criteria: ACMG Guidelines, 2015. Collection method: clinical testing. Allele origin: germline. Observed: 19 variant alleles.

GeneDx
Classification: Benign. Last evaluated: 2016-10-19. Review status: criteria provided, single submitter. Criteria: GeneDx Variant Classification (06012015). Collection method: clinical testing. Allele origin: germline. Affected: yes.
Comment: This variant is considered likely benign or benign based on one or more of the following criteria: it is a conservative change, it occurs at a poorly conserved position in the protein, it is predicted to be benign by multiple in silico algorithms, and/or has population frequency not consistent with disease.

Eurofins Ntd Llc (ga)
Classification: Benign. Last evaluated: 2013-10-04. Review status: criteria provided, single submitter. Criteria: EGL Classification Definitions 2015. Collection method: clinical testing. Allele origin: germline. Observed: 2 variant alleles, 2 heterozygotes.

Breakthrough Genomics
Classification: Benign. Review status: criteria provided, single submitter. Criteria: ACMG Guidelines, 2015. Collection method: not provided. Allele origin: germline. Inheritance: Autosomal recessive inheritance. Affected: yes.

Diagnostic Laboratory, Department of Genetics, University Medical Center Groningen
Classification: Likely benign. Review status: no assertion criteria provided. Collection method: clinical testing. Allele origin: germline. Affected: yes. Study: VKGL Data-share Consensus. Not counted in ClinVar's aggregate classification.

Laboratory of Diagnostic Genome Analysis, Leiden University Medical Center (LUMC)
Classification: Likely benign. Review status: no assertion criteria provided. Collection method: clinical testing. Allele origin: germline. Affected: yes. Study: VKGL Data-share Consensus. Not counted in ClinVar's aggregate classification.

NM_201384.3(PLEC):c.11940C>T (p.Ile3980=)

Gene: PLEC (plectin; minus strand). Cytogenetic location: 8q24.3.
Variant type: single nucleotide variant.
Coding change: c.11940C>T on transcript NM_201384.3 (MANE Select); coding-DNA position 11940, C replaced by T.
Protein change: p.Ile3980=; no amino-acid change (isoleucine 3980 retained).
Molecular consequence: synonymous variant.
Genome position (GRCh38, 1-based): chr8:143,917,881, G>A on the plus strand (C>T on the coding strand, the complement: PLEC is on the minus strand). VCF-style: chr8-143917881-G-A. GRCh37 (hg19) VCF-style: chr8-144992049-G-A.
Other names: p.Ile3966=; c.12021C>T, p.Ile4007= (NM_000445.5); c.11898C>T, p.Ile3966= (NM_201378.4); c.11874C>T, p.Ile3958= (NM_201379.3); c.12351C>T, p.Ile4117= (NM_201380.4); c.11844C>T, p.Ile3948= (NM_201381.3); c.11940C>T, p.Ile3980= (NM_201382.4); c.11952C>T, p.Ile3984= (NM_201383.3).
Identifiers: ClinVar variation 93026 (VCV000093026.50), dbSNP rs148865812, ClinGen allele CA146250.
Genomic context (GRCh38, chr8:143,917,881, plus strand): 5'-GAACTCGGGGCCCACAATGCCCATACGCACAGCCTCCTCCACCGTCAGCTTCAGTCCCTT[G>A]ATGGGGTCGATGACGTAACCGGTGGCCGCCTGCGCCTCCAGGAGCTCAAAGGCTGTGCCG-3'
Protein context (NP_958786.1, residues 3970-3990): QAATGYVIDP[Ile3980=]KGLKLTVEEA